The following is an entry in ClinVar:

NM_022095.4(ZNF335):c.3187C>A (p.Arg1063=)

Gene: ZNF335 (zinc finger protein 335; minus strand). Cytogenetic location: 20q13.12.
Variant type: single nucleotide variant.
Coding change: c.3187C>A on transcript NM_022095.4 (MANE Select); coding-DNA position 3187, C replaced by A.
Protein change: p.Arg1063=; no amino-acid change (arginine 1063 retained).
Molecular consequence: synonymous variant.
Genome position (GRCh38, 1-based): chr20:45,952,149, G>T on the plus strand (C>A on the coding strand, the complement: ZNF335 is on the minus strand). VCF-style: chr20-45952149-G-T. GRCh37 (hg19) VCF-style: chr20-44580788-G-T.
Identifiers: ClinVar variation 130802 (VCV000130802.23), dbSNP rs11905235, ClinGen allele CA156092.

ClinVar aggregate classification (germline): Benign/Likely benign. Review status: criteria provided, multiple submitters, no conflicts (2 of 4 stars). 6 submissions from 6 submitters: Benign (3); Likely benign (2). 1 of the submissions does not count toward it. Last evaluated 2026-02-01.

Conditions:
Microcephalic primordial dwarfism due to ZNF335 deficiency. Also called: Primary autosomal recessive microcephaly 10. Identifiers: Orphanet 329228, MedGen C3554499, MONDO:0014043, OMIM 615095.

Allele frequency attached by ClinVar (database versions not stated): 1000 Genomes Project 0.01278; 1000 Genomes Project 30x 0.01343; gnomAD 0.02316 and 0.02405; ESP Exome Variant Server 0.02455; TOPMed 0.02475.
gnomAD v4.1: 42,782 of 1,595,986 alleles (2.7%); highest among the groups gnomAD compares: Non-Finnish European, 3%; 646 homozygotes.

Submissions 1 to 33 of 97:

Labcorp Genetics (formerly Invitae), Labcorp
Classification: Benign. Last evaluated: 2026-02-01. Review status: criteria provided, single submitter. Criteria: Invitae Variant Classification Sherloc (09022015). Collection method: clinical testing. Allele origin: germline.

Genome-Nilou Lab
Classification: Benign for Microcephalic primordial dwarfism due to ZNF335 deficiency. Last evaluated: 2021-12-05. Review status: criteria provided, single submitter. Criteria: ACMG Guidelines, 2015. Collection method: clinical testing. Allele origin: germline. Affected: no.

GeneDx
Classification: Likely benign. Last evaluated: 2021-02-23. Review status: criteria provided, single submitter. Criteria: GeneDx Variant Classification Process June 2021. Collection method: clinical testing. Allele origin: germline. Affected: yes.

Eurofins Ntd Llc (ga)
Classification: Benign. Last evaluated: 2016-04-15. Review status: criteria provided, single submitter. Criteria: EGL Classification Definitions 2015. Collection method: clinical testing. Allele origin: germline. Observed: 1 variant allele, 1 heterozygote.

Breakthrough Genomics
Classification: Likely benign. Review status: criteria provided, single submitter. Criteria: ACMG Guidelines, 2015. Collection method: not provided. Allele origin: germline. Inheritance: Autosomal recessive inheritance. Affected: yes.

Dr. Peter K. Rogan Lab, Western University
No classification provided (evidence only). Condition: Melanoma. Review status: no classification provided. Collection method: in vitro. Allele origin: not applicable. Functional consequence: retained intron. Not counted in ClinVar's aggregate classification.

Dr. Peter K. Rogan Lab, Western University
No classification provided (evidence only). Condition: Melanoma. Review status: no classification provided. Collection method: in vitro. Allele origin: not applicable. Functional consequence: retained intron. Not counted in ClinVar's aggregate classification.

Dr. Peter K. Rogan Lab, Western University
No classification provided (evidence only). Condition: Melanoma. Review status: no classification provided. Collection method: in vitro. Allele origin: not applicable. Functional consequence: cryptic splice site, retained intron. Not counted in ClinVar's aggregate classification.

Dr. Peter K. Rogan Lab, Western University
No classification provided (evidence only). Condition: Melanoma. Review status: no classification provided. Collection method: in vitro. Allele origin: not applicable. Functional consequence: cryptic splice site. Not counted in ClinVar's aggregate classification.

Dr. Peter K. Rogan Lab, Western University
No classification provided (evidence only). Condition: Melanoma. Review status: no classification provided. Collection method: in vitro. Allele origin: not applicable. Functional consequence: retained intron. Not counted in ClinVar's aggregate classification.

Dr. Peter K. Rogan Lab, Western University
No classification provided (evidence only). Condition: Melanoma. Review status: no classification provided. Collection method: in vitro. Allele origin: not applicable. Functional consequence: retained intron. Not counted in ClinVar's aggregate classification.

Dr. Peter K. Rogan Lab, Western University
No classification provided (evidence only). Condition: Melanoma. Review status: no classification provided. Collection method: in vitro. Allele origin: not applicable. Functional consequence: retained intron. Not counted in ClinVar's aggregate classification.

Dr. Peter K. Rogan Lab, Western University
No classification provided (evidence only). Condition: Melanoma. Review status: no classification provided. Collection method: in vitro. Allele origin: not applicable. Functional consequence: retained intron. Not counted in ClinVar's aggregate classification.

Dr. Peter K. Rogan Lab, Western University
No classification provided (evidence only). Condition: Melanoma. Review status: no classification provided. Collection method: in vitro. Allele origin: not applicable. Functional consequence: retained intron. Not counted in ClinVar's aggregate classification.

Dr. Peter K. Rogan Lab, Western University
No classification provided (evidence only). Condition: Acute myeloid leukemia. Review status: no classification provided. Collection method: in vitro. Allele origin: not applicable. Functional consequence: cryptic splice site, retained intron. Not counted in ClinVar's aggregate classification.

Dr. Peter K. Rogan Lab, Western University
No classification provided (evidence only). Condition: Acute myeloid leukemia. Review status: no classification provided. Collection method: in vitro. Allele origin: not applicable. Functional consequence: retained intron. Not counted in ClinVar's aggregate classification.

Dr. Peter K. Rogan Lab, Western University
No classification provided (evidence only). Condition: Acute myeloid leukemia. Review status: no classification provided. Collection method: in vitro. Allele origin: not applicable. Functional consequence: retained intron. Not counted in ClinVar's aggregate classification.

Dr. Peter K. Rogan Lab, Western University
No classification provided (evidence only). Condition: Acute myeloid leukemia. Review status: no classification provided. Collection method: in vitro. Allele origin: not applicable. Functional consequence: retained intron. Not counted in ClinVar's aggregate classification.

Dr. Peter K. Rogan Lab, Western University
No classification provided (evidence only). Condition: Acute myeloid leukemia. Review status: no classification provided. Collection method: in vitro. Allele origin: not applicable. Functional consequence: retained intron. Not counted in ClinVar's aggregate classification.

Dr. Peter K. Rogan Lab, Western University
No classification provided (evidence only). Condition: Acute myeloid leukemia. Review status: no classification provided. Collection method: in vitro. Allele origin: not applicable. Functional consequence: retained intron. Not counted in ClinVar's aggregate classification.

Dr. Peter K. Rogan Lab, Western University
No classification provided (evidence only). Condition: Acute myeloid leukemia. Review status: no classification provided. Collection method: in vitro. Allele origin: not applicable. Functional consequence: retained intron. Not counted in ClinVar's aggregate classification.

Dr. Peter K. Rogan Lab, Western University
No classification provided (evidence only). Condition: Acute myeloid leukemia. Review status: no classification provided. Collection method: in vitro. Allele origin: not applicable. Functional consequence: retained intron. Not counted in ClinVar's aggregate classification.

Dr. Peter K. Rogan Lab, Western University
No classification provided (evidence only). Condition: Acute myeloid leukemia. Review status: no classification provided. Collection method: in vitro. Allele origin: not applicable. Functional consequence: retained intron. Not counted in ClinVar's aggregate classification.

Dr. Peter K. Rogan Lab, Western University
No classification provided (evidence only). Condition: Colon adenocarcinoma. Review status: no classification provided. Collection method: in vitro. Allele origin: not applicable. Functional consequence: retained intron. Not counted in ClinVar's aggregate classification.

Dr. Peter K. Rogan Lab, Western University
No classification provided (evidence only). Condition: Colon adenocarcinoma. Review status: no classification provided. Collection method: in vitro. Allele origin: not applicable. Functional consequence: cryptic splice site, retained intron. Not counted in ClinVar's aggregate classification.

Dr. Peter K. Rogan Lab, Western University
No classification provided (evidence only). Condition: Colon adenocarcinoma. Review status: no classification provided. Collection method: in vitro. Allele origin: not applicable. Functional consequence: retained intron. Not counted in ClinVar's aggregate classification.

Dr. Peter K. Rogan Lab, Western University
No classification provided (evidence only). Condition: Colon adenocarcinoma. Review status: no classification provided. Collection method: in vitro. Allele origin: not applicable. Functional consequence: cryptic splice site, retained intron. Not counted in ClinVar's aggregate classification.

Dr. Peter K. Rogan Lab, Western University
No classification provided (evidence only). Condition: Colon adenocarcinoma. Review status: no classification provided. Collection method: in vitro. Allele origin: not applicable. Functional consequence: retained intron. Not counted in ClinVar's aggregate classification.

Dr. Peter K. Rogan Lab, Western University
No classification provided (evidence only). Condition: Colon adenocarcinoma. Review status: no classification provided. Collection method: in vitro. Allele origin: not applicable. Functional consequence: cryptic splice site, retained intron. Not counted in ClinVar's aggregate classification.

Dr. Peter K. Rogan Lab, Western University
No classification provided (evidence only). Condition: Colorectal cancer. Review status: no classification provided. Collection method: in vitro. Allele origin: not applicable. Functional consequence: cryptic splice site, retained intron. Not counted in ClinVar's aggregate classification.

Dr. Peter K. Rogan Lab, Western University
No classification provided (evidence only). Condition: Colorectal cancer. Review status: no classification provided. Collection method: in vitro. Allele origin: not applicable. Functional consequence: retained intron. Not counted in ClinVar's aggregate classification.

Dr. Peter K. Rogan Lab, Western University
No classification provided (evidence only). Condition: Uterine corpus endometrial carcinoma. Review status: no classification provided. Collection method: in vitro. Allele origin: not applicable. Functional consequence: retained intron. Not counted in ClinVar's aggregate classification.

Dr. Peter K. Rogan Lab, Western University
No classification provided (evidence only). Condition: Uterine corpus endometrial carcinoma. Review status: no classification provided. Collection method: in vitro. Allele origin: not applicable. Functional consequence: cryptic splice site, retained intron. Not counted in ClinVar's aggregate classification.